The following is an entry in ClinVar:

NM_144573.4(NEXN):c.1867C>G (p.Gln623Glu)

Gene: NEXN (nexilin F-actin binding protein; plus strand). Cytogenetic location: 1p31.1.
Variant type: single nucleotide variant.
Coding change: c.1867C>G on transcript NM_144573.4 (MANE Select); coding-DNA position 1867, C replaced by G.
Protein change: p.Gln623Glu; replaces glutamine 623 with glutamic acid.
Molecular consequence: missense variant.
Genome position (GRCh38, 1-based): chr1:77,942,668, C>G. VCF-style: chr1-77942668-C-G. GRCh37 (hg19) VCF-style: chr1-78408353-C-G.
Other names: c.1675C>G, p.Gln559Glu (NM_001172309.2); short protein forms Q623E, Q559E.
Identifiers: ClinVar variation 2016396 (VCV002016396.4), dbSNP rs1468478269, ClinGen allele CA340883069.

ClinVar aggregate classification (germline): Uncertain significance (1 of 4 stars; one submission).

Conditions:
Dilated cardiomyopathy 1CC (CMD1CC). Identifiers: Orphanet 154, MedGen C2751084, MONDO:0013147, OMIM 613122.
Hypertrophic cardiomyopathy 20. Identifiers: MedGen C3151267, MONDO:0013477, OMIM 613876.

gnomAD v4.1: 1 of 1,613,566 alleles (0.000062%); highest among the groups gnomAD compares: African/African-American, 0.0013%; no homozygotes.

Submission:

Labcorp Genetics (formerly Invitae), Labcorp
Classification: Uncertain significance for Dilated cardiomyopathy 1CC; Hypertrophic cardiomyopathy 20. Last evaluated: 2022-07-15. Review status: criteria provided, single submitter. Criteria: Invitae Variant Classification Sherloc (09022015). Collection method: clinical testing. Allele origin: germline.
Comment: In summary, the available evidence is currently insufficient to determine the role of this variant in disease. Therefore, it has been classified as a Variant of Uncertain Significance. Algorithms developed to predict the effect of missense changes on protein structure and function (SIFT, PolyPhen-2, Align-GVGD) all suggest that this variant is likely to be tolerated. This variant has not been reported in the literature in individuals affected with NEXN-related conditions. This variant is not present in population databases (gnomAD no frequency). This sequence change replaces glutamine, which is neutral and polar, with glutamic acid, which is acidic and polar, at codon 623 of the NEXN protein (p.Gln623Glu).